The following is an entry in ClinVar:

NM_000311.5(PRNP):c.505T>C (p.Tyr169His)

Gene: PRNP (prion protein (Kanno blood group); plus strand). Cytogenetic location: 20p13.
Variant type: single nucleotide variant.
Coding change: c.505T>C on transcript NM_000311.5 (MANE Select); coding-DNA position 505, T replaced by C.
Protein change: p.Tyr169His; replaces tyrosine 169 with histidine.
Molecular consequence: missense variant. On other transcripts: 3 prime UTR variant (1).
Genome position (GRCh38, 1-based): chr20:4,699,725, T>C. VCF-style: chr20-4699725-T-C. GRCh37 (hg19) VCF-style: chr20-4680371-T-C.
Other names: c.505T>C, p.Tyr169His (NM_001080121.3, NM_001080122.3, NM_001080123.3 and 1 more transcripts); c.*194T>C (NM_001271561.3); short protein forms Y169H.
Identifiers: ClinVar variation 1907907 (VCV001907907.5), dbSNP rs1057343224, ClinGen allele CA311093421.

ClinVar aggregate classification (germline): Uncertain significance (1 of 4 stars; one submission).

Conditions:
Huntington disease-like 1 (HDL1). Also called: HUNTINGTON-LIKE NEURODEGENERATIVE DISORDER 1; HUNTINGTON-LIKE NEURODEGENERATIVE DISORDER, AUTOSOMAL DOMINANT; PRION DISEASE, EARLY-ONSET, WITH PROMINENT PSYCHIATRIC FEATURES. Identifiers: Orphanet 157941, MedGen C1864112, MONDO:0011299, OMIM 603218.

Allele frequency attached by ClinVar (database versions not stated): gnomAD exomes 0.00001; gnomAD 0.00003; TOPMed 0.00006.
gnomAD v4.1: 20 of 1,613,520 alleles (0.0012%); highest among the groups gnomAD compares: Admixed American, 0.032%; no homozygotes.

Submission:

Labcorp Genetics (formerly Invitae), Labcorp
Classification: Uncertain significance for Huntington disease-like 1. Last evaluated: 2023-07-30. Review status: criteria provided, single submitter. Criteria: Invitae Variant Classification Sherloc (09022015). Collection method: clinical testing. Allele origin: germline.
Comment: This sequence change replaces tyrosine, which is neutral and polar, with histidine, which is basic and polar, at codon 169 of the PRNP protein (p.Tyr169His). This variant is present in population databases (no rsID available, gnomAD 0.009%). In summary, the available evidence is currently insufficient to determine the role of this variant in disease. Therefore, it has been classified as a Variant of Uncertain Significance. Advanced modeling of protein sequence and biophysical properties (such as structural, functional, and spatial information, amino acid conservation, physicochemical variation, residue mobility, and thermodynamic stability) performed at Invitae indicates that this missense variant is not expected to disrupt PRNP protein function. ClinVar contains an entry for this variant (Variation ID: 1907907). This variant has not been reported in the literature in individuals affected with PRNP-related conditions.